The following is an entry in ClinVar:

NM_024809.5(TCTN2):c.716C>A (p.Ser239Tyr)

Gene: TCTN2 (tectonic family member 2; plus strand). Cytogenetic location: 12q24.31.
Variant type: single nucleotide variant.
Coding change: c.716C>A on transcript NM_024809.5 (MANE Select); coding-DNA position 716, C replaced by A.
Protein change: p.Ser239Tyr; replaces serine 239 with tyrosine.
Molecular consequence: missense variant.
Genome position (GRCh38, 1-based): chr12:123,686,987, C>A. VCF-style: chr12-123686987-C-A. GRCh37 (hg19) VCF-style: chr12-124171534-C-A.
Other names: c.713C>A, p.Ser238Tyr (NM_001143850.3); c.716C>A, p.Ser239Tyr (NM_001410989.1); c.716C>A (NM_024809.3); short protein forms S239Y, S238Y.
Identifiers: ClinVar variation 1965774 (VCV001965774.5), dbSNP rs149186771, ClinGen allele CA6860969.

ClinVar aggregate classification (germline): Uncertain significance. Review status: criteria provided, multiple submitters, no conflicts (2 of 4 stars). 3 submissions from 3 submitters: Uncertain significance (3). Last evaluated 2025-12-09.

Conditions:
Meckel syndrome, type 8. Identifiers: Orphanet 564, MedGen C3836857, MONDO:0013482, OMIM 613885.
Joubert syndrome 24 (JBTS24). Identifiers: Orphanet 475, MedGen C4084841, MONDO:0014724, OMIM 616654.
Joubert syndrome. Also called: CEREBELLOPARENCHYMAL DISORDER IV; JOUBERT-BOLTSHAUSER SYNDROME; Familial aplasia of the vermis. Identifiers: Orphanet 475, MedGen C5979921, MONDO:0018772.
Meckel-Gruber syndrome. Also called: DYSENCEPHALIA SPLANCHNOCYSTICA; GRUBER SYNDROME; Dysencephalia splachnocystica. Identifiers: Orphanet 564, MedGen C0265215, MONDO:0018921.
Inborn genetic diseases. Identifiers: MedGen C0950123, MeSH D030342.

Allele frequency attached by ClinVar (database versions not stated): ExAC 0.00002; ESP Exome Variant Server 0.00008.
gnomAD v4.1: 1 of 1,614,114 alleles (0.000062%); highest among the groups gnomAD compares: African/African-American, 0.0013%; no homozygotes.

Submissions (3):

Ambry Genetics
Classification: Uncertain significance for Inborn genetic diseases. Last evaluated: 2025-12-09. Review status: criteria provided, single submitter. Criteria: Ambry Variant Classification Scheme 2023. Collection method: clinical testing. Allele origin: germline.

Fulgent Genetics
Classification: Uncertain significance for Meckel syndrome, type 8; Joubert syndrome 24. Last evaluated: 2024-04-29. Review status: criteria provided, single submitter. Criteria: ACMG Guidelines, 2015. Collection method: clinical testing. Allele origin: germline.

Labcorp Genetics (formerly Invitae), Labcorp
Classification: Uncertain significance for Joubert syndrome; Meckel-Gruber syndrome. Last evaluated: 2022-10-13. Review status: criteria provided, single submitter. Criteria: Invitae Variant Classification Sherloc (09022015). Collection method: clinical testing. Allele origin: germline.
Comment: This variant has not been reported in the literature in individuals affected with TCTN2-related conditions. This sequence change replaces serine, which is neutral and polar, with tyrosine, which is neutral and polar, at codon 239 of the TCTN2 protein (p.Ser239Tyr). This variant is present in population databases (rs149186771, gnomAD 0.006%). Algorithms developed to predict the effect of missense changes on protein structure and function are either unavailable or do not agree on the potential impact of this missense change (SIFT: "Deleterious"; PolyPhen-2: "Possibly Damaging"; Align-GVGD: "Class C15"). In summary, the available evidence is currently insufficient to determine the role of this variant in disease. Therefore, it has been classified as a Variant of Uncertain Significance.